The following is an entry in ClinVar:

ClinVar aggregate classification (germline): Uncertain significance. Review status: criteria provided, multiple submitters, no conflicts (2 of 4 stars). 3 submissions from 3 submitters: Uncertain significance (3). Last evaluated 2024-09-14.

Conditions:
Arrhythmogenic right ventricular cardiomyopathy (ARVD). Also called: Arrhythmogenic cardiomyopathy; Cardiomyopathy, ARVC; Arrhythmogenic right ventricular dysplasia; Arrhythmogenic Right Ventricular Cardiomyopathy (ARVC). Identifiers: Orphanet 247, MedGen C0349788, MeSH D019571, MONDO:0016587. Disease mechanism: loss of function. Inheritance: Various modes of inheritance.
Cardiomyopathy (CMYO). Also called: Cardiomyopathies. Identifiers: Orphanet 167848, MedGen C0878544, MONDO:0004994, HP:0001638. Inheritance: Various modes of inheritance.
Cardiovascular phenotype. Identifiers: MedGen CN230736.

Allele frequency attached by ClinVar (database versions not stated): gnomAD exomes below 0.00001; gnomAD 0.00002; TOPMed 0.00002.
gnomAD v4.1: 5 of 1,613,946 alleles (0.00031%); highest among the groups gnomAD compares: Admixed American, 0.0083%; no homozygotes.

Submissions (3):

Ambry Genetics
Classification: Uncertain significance for Cardiovascular phenotype. Last evaluated: 2024-09-14. Review status: criteria provided, single submitter. Criteria: Ambry Variant Classification Scheme 2023. Collection method: clinical testing. Allele origin: germline.
Comment: The p.P656H variant (also known as c.1967C>A), located in coding exon 13 of the DSG2 gene, results from a C to A substitution at nucleotide position 1967. The proline at codon 656 is replaced by histidine, an amino acid with similar properties. This amino acid position is conserved. In addition, the in silico prediction for this alteration is inconclusive. Based on the available evidence, the clinical significance of this variant remains unclear.

All of Us Research Program, National Institutes of Health
Classification: Uncertain significance for Arrhythmogenic right ventricular cardiomyopathy. Last evaluated: 2024-05-30. Review status: criteria provided, single submitter. Criteria: ACMG Guidelines, 2015. Collection method: clinical testing. Allele origin: germline. Inheritance: Autosomal dominant inheritance. Observed: 5 variant alleles, 5 heterozygotes.
Comment: This missense variant replaces proline with histidine at codon 656 of the DSG2 protein. Computational prediction tools and conservation analyses are inconclusive regarding the impact of this variant on the protein function. Computational splicing tools suggest that this variant may not impact RNA splicing. To our knowledge, functional assays have not been performed for this variant nor has this variant been reported in individuals affected with cardiovascular disorders in the literature. This variant has not been identified in the general population by the Genome Aggregation Database (gnomAD). Available evidence is insufficient to determine the role of this variant in disease conclusively. Therefore, this variant is classified as a Variant of Uncertain Significance.

This study involves interpretation of variants in research participants for the purpose of population health screening. Participant phenotype was not available at the time of variant classification. Additional details can be found in publication PMID: 35346344, PMCID: PMC8962531

Color Diagnostics, LLC DBA Color Health
Classification: Uncertain significance for Cardiomyopathy. Last evaluated: 2024-03-06. Review status: criteria provided, single submitter. Criteria: ACMG Guidelines, 2015. Collection method: clinical testing. Allele origin: germline.
Comment: This missense variant replaces proline with histidine at codon 656 of the DSG2 protein. Computational prediction suggests that this variant may not impact protein structure and function (internally defined REVEL score threshold <= 0.5, PMID: 27666373). To our knowledge, functional studies have not been reported for this variant. This variant has not been reported in individuals affected with DSG2-related disorders in the literature. This variant has not been identified in the general population by the Genome Aggregation Database (gnomAD). The available evidence is insufficient to determine the role of this variant in disease conclusively. Therefore, this variant is classified as a Variant of Uncertain Significance.

NM_001943.5(DSG2):c.1967C>A (p.Pro656His)

Gene: DSG2 (desmoglein 2; plus strand). Cytogenetic location: 18q12.1.
Variant type: single nucleotide variant.
Coding change: c.1967C>A on transcript NM_001943.5 (MANE Select); coding-DNA position 1967, C replaced by A.
Protein change: p.Pro656His; replaces proline 656 with histidine.
Molecular consequence: missense variant.
Genome position (GRCh38, 1-based): chr18:31,541,280, C>A. VCF-style: chr18-31541280-C-A. GRCh37 (hg19) VCF-style: chr18-29121243-C-A.
Other names: c.1967C>A (NM_001943.3); short protein forms P656H.
Identifiers: ClinVar variation 927775 (VCV000927775.8), dbSNP rs1288233995, ClinGen allele CA402139740.